The following is an entry in ClinVar:

ClinVar aggregate classification (germline): Pathogenic/Likely pathogenic. Review status: criteria provided, multiple submitters, no conflicts (2 of 4 stars). 4 submissions from 4 submitters: Pathogenic (2); Likely pathogenic (2). Last evaluated 2025-11-26.

Conditions:
Leber congenital amaurosis (LCA). Also called: Leber's amaurosis. Identifiers: Orphanet 65, MedGen C0339527, MeSH D057130, MONDO:0018998.
Bardet-Biedl syndrome 14 (BBS14). Identifiers: Orphanet 110, MedGen C2673874, MONDO:0014442, OMIM 615991.
CEP290-related ciliopathy. Also called: CEP290 ciliopathy. Identifiers: MedGen CN305601, MONDO:0100451.
Meckel-Gruber syndrome. Also called: Dysencephalia splachnocystica; DYSENCEPHALIA SPLANCHNOCYSTICA; GRUBER SYNDROME. Identifiers: Orphanet 564, MedGen C0265215, MONDO:0018921.
Nephronophthisis. Also called: Juvenile Nephronophthisis. Identifiers: Orphanet 655, MedGen C0687120, MONDO:0019005, HP:0000090.
Joubert syndrome. Also called: Familial aplasia of the vermis; JOUBERT-BOLTSHAUSER SYNDROME. Identifiers: Orphanet 475, MedGen C5979921, MONDO:0018772.

Allele frequency attached by ClinVar (database versions not stated): gnomAD exomes 0.00001.
gnomAD v4.1: 3 of 1,613,406 alleles (0.00019%); highest among the groups gnomAD compares: South Asian, 0.0022%; no homozygotes.

Submissions (4):

Labcorp Genetics (formerly Invitae), Labcorp
Classification: Pathogenic for Joubert syndrome; Meckel-Gruber syndrome; Nephronophthisis. Last evaluated: 2025-11-26. Review status: criteria provided, single submitter. Criteria: Invitae Variant Classification Sherloc (09022015). Collection method: clinical testing. Allele origin: germline.
Comment: This sequence change creates a premature translational stop signal (p.Glu2235*) in the CEP290 gene. It is expected to result in an absent or disrupted protein product. Loss-of-function variants in CEP290 are known to be pathogenic (PMID: 16909394, 17345604, 20690115). This variant is present in population databases (no rsID available, gnomAD 0.007%). This variant has not been reported in the literature in individuals affected with CEP290-related conditions. ClinVar contains an entry for this variant (Variation ID: 1453974). Algorithms developed to predict the effect of sequence changes on RNA splicing suggest that this variant may disrupt the consensus splice site. For these reasons, this variant has been classified as Pathogenic.

Natera, Inc.
Classification: Likely pathogenic for Leber congenital amaurosis. Last evaluated: 2025-02-18. Review status: criteria provided, single submitter. Criteria: Natera Variant Classification Schema (03/2026). Collection method: clinical testing. Allele origin: germline.
Comment: The c.6703G>T variant in CEP290 is a nonsense variant predicted to introduce a stop codon at amino acid 2235. This variant is expected to result in nonsense mediated decay, truncation, or a dysfunctional protein product. This variant is rare in the general population with a frequency below the threshold expected for the associated phenotype(s). Given the available evidence, this variant is classified as Likely Pathogenic.

Myriad Genetics, Inc.
Classification: Pathogenic for CEP290-related ciliopathy. Last evaluated: 2024-06-22. Review status: criteria provided, single submitter. Criteria: Myriad Autosomal Dominant, Autosomal Recessive and X-Linked Classification Criteria (2023). Collection method: clinical testing. Allele origin: unknown.
Comment: NM_025114.3(CEP290):c.6703G>T(E2235*) is expected to be pathogenic in the context of CEP290-related disorders. This variant is predicted to lead to an abnormal or absent protein product due to the creation of a premature termination codon in CEP290, a gene where loss-of-function variants are known to be pathogenic. Please note: this variant was assessed in the context of healthy population screening.

Baylor Genetics
Classification: Likely pathogenic for Bardet-Biedl syndrome 14. Last evaluated: 2023-05-10. Review status: criteria provided, single submitter. Criteria: ACMG Guidelines, 2015. Collection method: clinical testing. Allele origin: unknown.

Literature cited by the submitters: PubMed 16909394 (cited by Labcorp Genetics (formerly Invitae), Labcorp); PubMed 17345604 (cited by Labcorp Genetics (formerly Invitae), Labcorp); PubMed 20690115 (cited by Labcorp Genetics (formerly Invitae), Labcorp).

NM_025114.4(CEP290):c.6703G>T (p.Glu2235Ter)

Gene: CEP290 (centrosomal protein 290; minus strand). Cytogenetic location: 12q21.32.
Variant type: single nucleotide variant.
Coding change: c.6703G>T on transcript NM_025114.4 (MANE Select); coding-DNA position 6703, G replaced by T.
Protein change: p.Glu2235Ter; replaces glutamic acid 2235 with a stop codon.
Molecular consequence: nonsense.
Genome position (GRCh38, 1-based): chr12:88,058,963, C>A on the plus strand (G>T on the coding strand, the complement: CEP290 is on the minus strand). VCF-style: chr12-88058963-C-A. GRCh37 (hg19) VCF-style: chr12-88452740-C-A.
Other names: c.6703G>T (NM_025114.3); short protein forms E2235*.
Identifiers: ClinVar variation 1453974 (VCV001453974.9), dbSNP rs1375836634, ClinGen allele CA385977637.